The following is an entry in ClinVar:

NM_015378.4(VPS13D):c.10640C>T (p.Thr3547Ile)

Gene: VPS13D (vacuolar protein sorting 13 homolog D; plus strand). Cytogenetic location: 1p36.22.
Variant type: single nucleotide variant.
Coding change: c.10640C>T on transcript NM_015378.4 (MANE Select); coding-DNA position 10640, C replaced by T.
Protein change: p.Thr3547Ile; replaces threonine 3547 with isoleucine.
Molecular consequence: missense variant.
Genome position (GRCh38, 1-based): chr1:12,369,534, C>T. VCF-style: chr1-12369534-C-T. GRCh37 (hg19) VCF-style: chr1-12429589-C-T.
Other names: c.10565C>T, p.Thr3522Ile (NM_018156.4); short protein forms T3547I, T3522I.
Identifiers: ClinVar variation 2043268 (VCV002043268.4), dbSNP rs375936831, ClinGen allele CA18065065.

ClinVar aggregate classification (germline): Uncertain significance (1 of 4 stars; one submission).

Allele frequency attached by ClinVar (database versions not stated): gnomAD exomes below 0.00001; gnomAD 0.00001; TOPMed 0.00001; ESP Exome Variant Server 0.00008.
gnomAD v4.1: 3 of 1,614,064 alleles (0.00019%); highest among the groups gnomAD compares: African/African-American, 0.0027%; no homozygotes.

Submission:

Labcorp Genetics (formerly Invitae), Labcorp
Classification: Uncertain significance. Last evaluated: 2023-12-18. Review status: criteria provided, single submitter. Criteria: Invitae Variant Classification Sherloc (09022015). Collection method: clinical testing. Allele origin: germline.
Comment: This sequence change replaces threonine, which is neutral and polar, with isoleucine, which is neutral and non-polar, at codon 3547 of the VPS13D protein (p.Thr3547Ile). This variant is present in population databases (rs375936831, gnomAD 0.004%). This variant has not been reported in the literature in individuals affected with VPS13D-related conditions. ClinVar contains an entry for this variant (Variation ID: 2043268). Advanced modeling of protein sequence and biophysical properties (such as structural, functional, and spatial information, amino acid conservation, physicochemical variation, residue mobility, and thermodynamic stability) performed at Invitae indicates that this missense variant is expected to disrupt VPS13D protein function with a positive predictive value of 80%. In summary, the available evidence is currently insufficient to determine the role of this variant in disease. Therefore, it has been classified as a Variant of Uncertain Significance.